The following is an entry in ClinVar:

ClinVar aggregate classification (germline): Likely pathogenic (1 of 4 stars; one submission).

Conditions:
Autosomal recessive limb-girdle muscular dystrophy type 2J (LGMDR10). Also called: Limb-girdle muscular dystrophy, type 2J; MUSCULAR DYSTROPHY, LIMB-GIRDLE, AUTOSOMAL RECESSIVE 10. Identifiers: Orphanet 140922, MedGen C1837342, MONDO:0012127, OMIM 608807.
Dilated cardiomyopathy 1G (CMD1G). Identifiers: Orphanet 154, MedGen C1858763, MONDO:0011400, OMIM 604145.

Submission:

Labcorp Genetics (formerly Invitae), Labcorp
Classification: Likely pathogenic for Dilated cardiomyopathy 1G; Autosomal recessive limb-girdle muscular dystrophy type 2J. Last evaluated: 2025-02-26. Review status: criteria provided, single submitter. Criteria: Invitae Variant Classification Sherloc (09022015). Collection method: clinical testing. Allele origin: germline.
Comment: This sequence change affects an acceptor splice site in intron 70 of the TTN gene. It is expected to disrupt RNA splicing and likely results in a truncated or disrupted TTN protein. This variant is not present in population databases (gnomAD no frequency). This variant has not been reported in the literature in individuals affected with TTN-related conditions. Algorithms developed to predict the effect of sequence changes on RNA splicing suggest that this variant may disrupt the consensus splice site. This variant is located in the I band of TTN (PMID: 25589632). Truncating variants in this region have been reported in individuals affected with autosomal recessive centronuclear myopathy (PMID: 23975875, internal data). Truncating variants in this region have also been identified in individuals affected with autosomal dominant dilated cardiomyopathy and/or cardio-related conditions (PMID: 27869827, 32964742, internal data). In summary, the currently available evidence indicates that the variant is pathogenic, but additional data are needed to prove that conclusively. Therefore, this variant has been classified as Likely Pathogenic.

Literature cited by the submitters: PubMed 25589632; PubMed 23975875; PubMed 27869827; PubMed 32964742.

NM_001267550.2(TTN):c.20555-2A>G

Gene: TTN (titin; minus strand). Cytogenetic location: 2q31.2.
Variant type: single nucleotide variant.
Coding change: c.20555-2A>G on transcript NM_001267550.2 (MANE Select); the canonical splice acceptor site of the intron before coding-DNA position 20555, A replaced by G.
Molecular consequence: splice acceptor variant. On other transcripts: intron variant (3).
Genome position (GRCh38, 1-based): chr2:178,725,651, T>C on the plus strand (A>G on the coding strand, the complement: TTN is on the minus strand). VCF-style: chr2-178725651-T-C. GRCh37 (hg19) VCF-style: chr2-179590378-T-C.
Other names: c.13282+12431A>G (NM_003319.4); c.13858+12431A>G (NM_133437.4); c.13657+12431A>G (NM_133432.3); c.16823-2A>G (NM_133378.4); c.19604-2A>G (NM_001256850.1).
Identifiers: ClinVar variation 4789058 (VCV004789058.1).